The following is an entry in ClinVar:

ClinVar aggregate classification (germline): Likely pathogenic. Review status: criteria provided, single submitter (1 of 4 stars). 2 submissions from 2 submitters: Likely pathogenic (1). 1 of the submissions does not count toward it. Last evaluated 2015-03-12.

Conditions:
Biotinidase deficiency. Also called: BTD deficiency; Late-onset biotin-responsive multiple carboxylase deficiency; Biotin deficiency. Identifiers: Orphanet 79241, MedGen C0220754, MONDO:0009665, OMIM 253260.

Allele frequency attached by ClinVar (database versions not stated): gnomAD 0.00001; gnomAD exomes 0.00001; ExAC 0.00002.
gnomAD v4.1: 1 of 1,614,082 alleles (0.000062%); highest among the groups gnomAD compares: Non-Finnish European, 0.000085%; no homozygotes.

Submissions (2):

GeneDx
Classification: Likely pathogenic. Last evaluated: 2015-03-12. Review status: criteria provided, single submitter. Criteria: GeneDx Variant Classification (06012015). Collection method: clinical testing. Allele origin: germline. Affected: yes.
Comment: The G465C variant has not been published as a pathogenic variant, nor has it been reported as a benign polymorphism to our knowledge. The G465C variant is a non-conservative amino acid substitution, which is likely to impact secondary protein structure as these residues differ in polarity, charge, size and/or other properties. This substitution occurs at a position that is conserved across species. In silico analysis predicts this variant is probably damaging to the protein structure/function. Missense variants in nearby residues (C463Y) have been reported in the Human Gene Mutation Database in association with biotinidase deficiency (Stenson et al., 2014), supporting the functional importance of this region of the protein. Therefore, the G465C variant is a strong candidate for a pathogenic variant, however the possibility that it is a benign variant cannot be excluded.

Counsyl
Classification: Uncertain significance for Biotinidase deficiency. Last evaluated: 2018-03-07. Review status: no assertion criteria provided. Collection method: clinical testing. Allele origin: unknown. Not counted in ClinVar's aggregate classification.

NM_001370658.1(BTD):c.1333G>T (p.Gly445Cys)

Gene: BTD (biotinidase; plus strand). Cytogenetic location: 3p25.1.
Variant type: single nucleotide variant.
Coding change: c.1333G>T on transcript NM_001370658.1 (MANE Select); coding-DNA position 1333, G replaced by T.
Protein change: p.Gly445Cys; replaces glycine 445 with cysteine.
Molecular consequence: missense variant. On other transcripts: intron variant (2).
Genome position (GRCh38, 1-based): chr3:15,645,249, G>T. VCF-style: chr3-15645249-G-T. GRCh37 (hg19) VCF-style: chr3-15686756-G-T.
Other names: c.1333G>T, p.Gly445Cys (NM_001407365.1, NM_001407366.1, NM_001407367.1 and 16 more transcripts); c.1015+318G>T (NM_001370752.1); c.399+3192G>T (NM_001370753.1); c.1393G>T, p.Gly465Cys (NM_000060.4); short protein forms G445C.
Identifiers: ClinVar variation 418710 (VCV000418710.4), dbSNP rs746099217, ClinGen allele CA2277467.